The following is an entry in ClinVar:

NM_152564.5(VPS13B):c.6382A>C (p.Lys2128Gln)

Gene: VPS13B (vacuolar protein sorting 13 homolog B; plus strand). Cytogenetic location: 8q22.2.
Variant type: single nucleotide variant.
Coding change: c.6382A>C on transcript NM_152564.5 (MANE Select); coding-DNA position 6382, A replaced by C.
Protein change: p.Lys2128Gln; replaces lysine 2128 with glutamine.
Molecular consequence: missense variant.
Genome position (GRCh38, 1-based): chr8:99,699,860, A>C. VCF-style: chr8-99699860-A-C. GRCh37 (hg19) VCF-style: chr8-100712088-A-C.
Other names: c.6457A>C, p.Lys2153Gln (NM_017890.5); short protein forms K2128Q, K2153Q.
Identifiers: ClinVar variation 3345273 (VCV003345273.1).
Genomic context (GRCh38, chr8:99,699,860, plus strand): 5'-AAAATTTCTGTTCAAACTACTCAGATTGTGATCTCCATGGAAACTGTACCCCATACCAGC[A>C]AACCATGCCTGTTAGCATCTCTCTCAAACCTCAATGGAAGCCTTAGTGTCAAGGCAACAC-3'
Protein context (NP_689777.3, residues 2118-2138): ISMETVPHTS[Lys2128Gln]PCLLASLSNL

ClinVar aggregate classification (germline): Uncertain significance (0 of 4 stars; one submission).

Conditions:
VPS13B-related disorder. Also called: VPS13B-related condition.

Submission:

PreventionGenetics, part of Exact Sciences
Classification: Uncertain significance for VPS13B-related condition. Last evaluated: 2024-08-29. Review status: no assertion criteria provided. Collection method: clinical testing. Allele origin: germline.
Comment: The VPS13B c.6382A>C variant is predicted to result in the amino acid substitution p.Lys2128Gln. To our knowledge, this variant has not been reported in the literature or in a large population database, indicating this variant is rare. At this time, the clinical significance of this variant is uncertain due to the absence of conclusive functional and genetic evidence.